The following is an entry in ClinVar:

NM_000138.5(FBN1):c.4286G>A (p.Cys1429Tyr)

Genes: FBN1 (fibrillin 1; minus strand), LOC126862124 (CDK7 strongly-dependent group 2 enhancer GRCh37_chr15:48764566-48765765; plus strand). Cytogenetic location: 15q21.1.
Variant type: single nucleotide variant.
Coding change: c.4286G>A on transcript NM_000138.5 (MANE Select); coding-DNA position 4286, G replaced by A.
Protein change: p.Cys1429Tyr; replaces cysteine 1429 with tyrosine.
Molecular consequence: missense variant.
Genome position (GRCh38, 1-based): chr15:48,472,601, C>T on the plus strand (G>A on the coding strand, the complement: FBN1 is on the minus strand). VCF-style: chr15-48472601-C-T. GRCh37 (hg19) VCF-style: chr15-48764798-C-T.
Other names: short protein forms C1429Y.
Identifiers: ClinVar variation 549216 (VCV000549216.28), dbSNP rs1555397545, ClinGen allele CA392317743.

ClinVar aggregate classification (germline): Pathogenic/Likely pathogenic. Review status: criteria provided, multiple submitters, no conflicts (2 of 4 stars). 4 submissions from 4 submitters: Pathogenic (2); Likely pathogenic (1). 1 of the submissions does not count toward it. Last evaluated 2024-11-02.

Conditions:
Marfan syndrome (MFS). Also called: Marfan syndrome type 1; Marfan syndrome, classic; Marfan's syndrome; FBN1-Related Marfan Syndrome; MARFAN SYNDROME, TYPE I. Identifiers: Orphanet 284963, Orphanet 558, MedGen C0024796, MONDO:0007947, OMIM 154700.
Familial thoracic aortic aneurysm and aortic dissection (TAAD). Also called: Thoracic aortic aneurysms and dissections. Identifiers: Orphanet 91387, MedGen C4707243, MONDO:0019625.

Submissions (4):

Labcorp Genetics (formerly Invitae), Labcorp
Classification: Pathogenic for Marfan syndrome; Familial thoracic aortic aneurysm and aortic dissection. Last evaluated: 2024-11-02. Review status: criteria provided, single submitter. Criteria: Invitae Variant Classification Sherloc (09022015). Collection method: clinical testing. Allele origin: germline.
Comment: This sequence change replaces cysteine, which is neutral and slightly polar, with tyrosine, which is neutral and polar, at codon 1429 of the FBN1 protein (p.Cys1429Tyr). This variant is not present in population databases (gnomAD no frequency). This missense change has been observed in individuals with Marfan syndrome (PMID: 24161884; internal data). ClinVar contains an entry for this variant (Variation ID: 549216). Invitae Evidence Modeling of protein sequence and biophysical properties (such as structural, functional, and spatial information, amino acid conservation, physicochemical variation, residue mobility, and thermodynamic stability) indicates that this missense variant is expected to disrupt FBN1 protein function with a positive predictive value of 95%. This variant affects a cysteine residue in the EGF-like, TGFBP or hybrid motif domains of FBN1. Cysteine residues are believed to be involved in intramolecular disulfide bridges and have been shown to be important for FBN1 protein structure (PMID: 16905551, 19349279). In addition, missense substitutions affecting cysteine residues within these domains are significantly overrepresented among patients with Marfan syndrome (PMID: 16571647, 17701892). This variant disrupts the p.Cys1429 amino acid residue in FBN1. Other variant(s) that disrupt this residue have been observed in individuals with FBN1-related conditions (PMID: 9399842, 24161884), which suggests that this may be a clinically significant amino acid residue. For these reasons, this variant has been classified as Pathogenic.

Clinical Genetics Laboratory, Skane University Hospital Lund
Classification: Likely pathogenic. Last evaluated: 2022-10-31. Review status: criteria provided, single submitter. Criteria: ACMG Guidelines, 2015. Collection method: clinical testing. Allele origin: germline. Affected: yes.

Centre of Medical Genetics, University of Antwerp
Classification: Pathogenic for Marfan syndrome. Last evaluated: 2021-03-01. Review status: criteria provided, single submitter. Criteria: Submitter's publication. Collection method: research. Allele origin: unknown. Affected: yes.
Comment: PM2, PVS2, PP4

Center for Medical Genetics Ghent, University of Ghent
Classification: Pathogenic for Marfan syndrome. Last evaluated: 2017-11-07. Review status: no assertion criteria provided. Collection method: clinical testing. Allele origin: de novo. Affected: yes. Not counted in ClinVar's aggregate classification.

Literature cited by the submitters: PubMed 24161884 (cited by Labcorp Genetics (formerly Invitae), Labcorp); PubMed 16905551 (cited by Labcorp Genetics (formerly Invitae), Labcorp); PubMed 19349279 (cited by Labcorp Genetics (formerly Invitae), Labcorp); PubMed 16571647 (cited by Labcorp Genetics (formerly Invitae), Labcorp); PubMed 17701892 (cited by Labcorp Genetics (formerly Invitae), Labcorp); PubMed 9399842 (cited by Labcorp Genetics (formerly Invitae), Labcorp).